The following is an entry in ClinVar:

ClinVar aggregate classification (germline): Likely benign (1 of 4 stars; one submission).

gnomAD v4.1: 3 of 1,061,628 alleles (0.00028%); highest among the groups gnomAD compares: African/African-American, 0.0052%; no homozygotes.

Submission:

GeneDx
Classification: Likely benign. Last evaluated: 2024-01-12. Review status: criteria provided, single submitter. Criteria: GeneDx Variant Classification Process June 2021. Collection method: clinical testing. Allele origin: germline. Affected: yes.
Comment: See Variant Classification Assertion Criteria.

NM_003070.5(SMARCA2):c.883G>T (p.Ala295Ser)

Gene: SMARCA2 (SWI/SNF related BAF chromatin remodeling complex subunit ATPase 2; plus strand). Cytogenetic location: 9p24.3.
Variant type: single nucleotide variant.
Coding change: c.883G>T on transcript NM_003070.5 (MANE Select); coding-DNA position 883, G replaced by T.
Protein change: p.Ala295Ser; replaces alanine 295 with serine.
Molecular consequence: missense variant.
Genome position (GRCh38, 1-based): chr9:2,047,321, G>T. VCF-style: chr9-2047321-G-T. GRCh37 (hg19) VCF-style: chr9-2047321-G-T.
Other names: c.883G>T, p.Ala295Ser (NM_001289396.2, NM_001289397.2, NM_139045.4); short protein forms A295S.
Identifiers: ClinVar variation 3342594 (VCV003342594.1).
Genomic context (GRCh38, chr9:2,047,321, plus strand): 5'-CCGCAGAAGCTGCCGGTGCCCGCGCCCGGCGGCCGGCCCTCGCCCGCGCCCCCCGCAGCC[G>T]CGCAGCCGCCCGCGGCCGCAGTGCCCGGGCCCTCAGTGCCGCAGCCGGCCCCGGGGCAGC-3'
Protein context (NP_003061.3, residues 285-305): GRPSPAPPAA[Ala295Ser]QPPAAAVPGP